The following is an entry in ClinVar:

ClinVar aggregate classification (germline): Uncertain significance. Review status: criteria provided, multiple submitters, no conflicts (2 of 4 stars). 3 submissions from 3 submitters: Uncertain significance (2). 1 of the submissions does not count toward it. Last evaluated 2019-12-04.

Conditions:
TTN-related disorder. Also called: TTN-related disorders; TTN-related condition; TTN-related disease.
Autosomal recessive limb-girdle muscular dystrophy type 2J (LGMDR10). Also called: Limb-girdle muscular dystrophy, type 2J; MUSCULAR DYSTROPHY, LIMB-GIRDLE, AUTOSOMAL RECESSIVE 10. Identifiers: Orphanet 140922, MedGen C1837342, MONDO:0012127, OMIM 608807.
Dilated cardiomyopathy 1G (CMD1G). Identifiers: Orphanet 154, MedGen C1858763, MONDO:0011400, OMIM 604145.
Cardiovascular phenotype. Identifiers: MedGen CN230736.

Allele frequency attached by ClinVar (database versions not stated): gnomAD 0.00003 and 0.00004; gnomAD exomes 0.00003 and 0.00004; TOPMed 0.00003; ExAC 0.00004.
gnomAD v4.1: 46 of 1,613,066 alleles (0.0029%); highest among the groups gnomAD compares: Non-Finnish European, 0.0037%; no homozygotes.

Submissions (3):

Ambry Genetics
Classification: Uncertain significance for Cardiovascular phenotype. Last evaluated: 2019-12-04. Review status: criteria provided, single submitter. Criteria: Ambry Variant Classification Scheme 2023. Collection method: clinical testing. Allele origin: germline.
Comment: The p.A9876V variant (also known as c.29627C>T), located in coding exon 118 of the TTN gene, results from a C to T substitution at nucleotide position 29627. The alanine at codon 9876 is replaced by valine, an amino acid with similar properties. This amino acid position is not well conserved in available vertebrate species. In addition, this alteration is predicted to be tolerated by in silico analysis. Since supporting evidence is limited at this time, the clinical significance of this alteration remains unclear.

Labcorp Genetics (formerly Invitae), Labcorp
Classification: Uncertain significance for Dilated cardiomyopathy 1G; Autosomal recessive limb-girdle muscular dystrophy type 2J. Last evaluated: 2017-12-22. Review status: criteria provided, single submitter. Criteria: Invitae Variant Classification Sherloc (09022015). Collection method: clinical testing. Allele origin: germline.

PreventionGenetics, part of Exact Sciences
Classification: Uncertain significance for TTN-related condition. Last evaluated: 2024-05-17. Review status: no assertion criteria provided. Collection method: clinical testing. Allele origin: germline. Not counted in ClinVar's aggregate classification.
Comment: The TTN c.56822C>T variant is predicted to result in the amino acid substitution p.Ala18941Val. This variant was reported in a healthy control but not affected individuals in a dilated cardiomyopathy case-control study (Table S4, Mazzarotto et al. 2020. PubMed ID: 31983221). This variant is reported in 0.0086% of alleles in individuals of European (Non-Finnish) descent in gnomAD. At this time, the clinical significance of this variant is uncertain due to the absence of conclusive functional and genetic evidence.

NM_001267550.2(TTN):c.56822C>T (p.Ala18941Val)

Genes: TTN-AS1 (TTN antisense RNA 1; plus strand), TTN (titin; minus strand). Cytogenetic location: 2q31.2.
Variant type: single nucleotide variant.
Coding change: c.56822C>T on transcript NM_001267550.2 (MANE Select); coding-DNA position 56822, C replaced by T.
Protein change: p.Ala18941Val; replaces alanine 18941 with valine.
Molecular consequence: missense variant.
Genome position (GRCh38, 1-based): chr2:178,598,888, G>A on the plus strand (C>T on the coding strand, the complement: TTN is on the minus strand). VCF-style: chr2-178598888-G-A. GRCh37 (hg19) VCF-style: chr2-179463615-G-A.
Other names: c.51899C>T, p.Ala17300Val (NM_001256850.1); c.29627C>T, p.Ala9876Val (NM_003319.4); c.49118C>T, p.Ala16373Val (NM_133378.4); c.30002C>T, p.Ala10001Val (NM_133432.3); c.30203C>T, p.Ala10068Val (NM_133437.4); short protein forms A18941V, A10068V, A16373V, A9876V, A17300V, A10001V.
Identifiers: ClinVar variation 535173 (VCV000535173.6), dbSNP rs754264431, ClinGen allele CA1993176.
Genomic context (GRCh38, chr2:178,598,888, plus strand): 5'-AATTGATAGTCGGAACCTTCAATAAGACCAGTCACTTTATAAGAAACACCCAAAGTCATG[G>A]CTTTGATAGGATCTCGGTTAACTCTCTTCCATCTCTTTGAAGTGGTGTCTTTCATTTCCA-3'
Protein context (NP_001254479.2, residues 18931-18951): WKRVNRDPIK[Ala18941Val]MTLGVSYKVT